The following is an entry in ClinVar:

ClinVar aggregate classification (germline): Likely benign (0 of 4 stars; one submission).

Conditions:
CAPN15-related disorder. Also called: CAPN15-related condition.

Allele frequency attached by ClinVar (database versions not stated): ESP Exome Variant Server 0.00008; TOPMed 0.00012; gnomAD 0.00019; ExAC 0.00050; 1000 Genomes Project 30x 0.00078; 1000 Genomes Project 0.00100.
gnomAD v4.1: 460 of 1,593,626 alleles (0.029%); highest among the groups gnomAD compares: South Asian, 0.32%; no homozygotes.

Submission:

PreventionGenetics, part of Exact Sciences
Classification: Likely benign for CAPN15-related condition. Last evaluated: 2023-05-17. Review status: no assertion criteria provided. Collection method: clinical testing. Allele origin: germline.
Comment: This variant is classified as likely benign based on ACMG/AMP sequence variant interpretation guidelines (Richards et al. 2015 PMID: 25741868, with internal and published modifications).

NM_005632.3(CAPN15):c.2332G>A (p.Gly778Ser)

Gene: CAPN15 (calpain 15; plus strand). Cytogenetic location: 16p13.3.
Variant type: single nucleotide variant.
Coding change: c.2332G>A on transcript NM_005632.3 (MANE Select); coding-DNA position 2332, G replaced by A.
Protein change: p.Gly778Ser; replaces glycine 778 with serine.
Molecular consequence: missense variant.
Genome position (GRCh38, 1-based): chr16:551,651, G>A. VCF-style: chr16-551651-G-A. GRCh37 (hg19) VCF-style: chr16-601651-G-A.
Other names: short protein forms G778S.
Identifiers: ClinVar variation 3031713 (VCV003031713.2), dbSNP rs144401116, ClinGen allele CA7778669.
Genomic context (GRCh38, chr16:551,651, plus strand): 5'-CACCTGCGTGGCGAGCTCATGCCGCACGGCAGCAGTGAGGGTGTCTTCTGGATGGAGTAC[G>A]GCGACTTTGTCAGGTATCGGCACCGTGGGGCGGTGTGCACGCCGCCCCCGCCCTCCTAGG-3'
Protein context (NP_005623.1, residues 768-788): SSEGVFWMEY[Gly778Ser]DFVRYFDSVD